The following is an entry in ClinVar:

NM_001946.4(DUSP6):c.382C>T (p.Arg128Trp)

Genes: DUSP6 (dual specificity phosphatase 6; minus strand), POC1B-DUSP6 (POC1B-DUSP6 readthrough; minus strand). Cytogenetic location: 12q21.33.
Variant type: single nucleotide variant.
Coding change: c.382C>T on transcript NM_001946.4 (MANE Select); coding-DNA position 382, C replaced by T.
Protein change: p.Arg128Trp; replaces arginine 128 with tryptophan.
Molecular consequence: missense variant.
Genome position (GRCh38, 1-based): chr12:89,351,658, G>A on the plus strand (C>T on the coding strand, the complement: DUSP6 is on the minus strand). VCF-style: chr12-89351658-G-A. GRCh37 (hg19) VCF-style: chr12-89745435-G-A.
Other names: c.382C>T, p.Arg128Trp (NM_022652.4); short protein forms R128W.
Identifiers: ClinVar variation 2693827 (VCV002693827.3), dbSNP rs376038752, ClinGen allele CA6714067.

ClinVar aggregate classification (germline): Uncertain significance (1 of 4 stars; one submission).

Allele frequency attached by ClinVar (database versions not stated): ExAC 0.00014; gnomAD exomes 0.00009; TOPMed 0.00010; ESP Exome Variant Server 0.00008; gnomAD 0.00011.
gnomAD v4.1: 152 of 1,603,270 alleles (0.0095%); highest among the groups gnomAD compares: Admixed American, 0.015%; no homozygotes.

Submission:

Labcorp Genetics (formerly Invitae), Labcorp
Classification: Uncertain significance. Last evaluated: 2025-09-02. Review status: criteria provided, single submitter. Criteria: Invitae Variant Classification Sherloc (09022015). Collection method: clinical testing. Allele origin: germline.
Comment: This sequence change replaces arginine, which is basic and polar, with tryptophan, which is neutral and slightly polar, at codon 128 of the DUSP6 protein (p.Arg128Trp). This variant is present in population databases (rs376038752, gnomAD 0.01%). This variant has not been reported in the literature in individuals affected with DUSP6-related conditions. ClinVar contains an entry for this variant (Variation ID: 2693827). Invitae Evidence Modeling of protein sequence and biophysical properties (such as structural, functional, and spatial information, amino acid conservation, physicochemical variation, residue mobility, and thermodynamic stability) has been performed for this missense variant. However, the output from this modeling did not meet the statistical confidence thresholds required to predict the impact of this variant on DUSP6 protein function. In summary, the available evidence is currently insufficient to determine the role of this variant in disease. Therefore, it has been classified as a Variant of Uncertain Significance.